The following is an entry in ClinVar:

NM_000545.8(HNF1A):c.1501G>A (p.Ala501Thr)

Gene: HNF1A (HNF1 homeobox A; plus strand). Cytogenetic location: 12q24.31.
Variant type: single nucleotide variant.
Coding change: c.1501G>A on transcript NM_000545.8 (MANE Select); coding-DNA position 1501, G replaced by A.
Protein change: p.Ala501Thr; replaces alanine 501 with threonine.
Molecular consequence: missense variant.
Genome position (GRCh38, 1-based): chr12:120,997,665, G>A. VCF-style: chr12-120997665-G-A. GRCh37 (hg19) VCF-style: chr12-121435468-G-A.
Other names: NM_000545.8(HNF1A):c.1501G>A; p.Ala501Thr; c.1501G>A, p.Ala501Thr (NM_001306179.2); c.1501G>A (NM_000545.5); short protein forms A501T.
Identifiers: ClinVar variation 972780 (VCV000972780.16), dbSNP rs371807951, ClinGen allele CA6832059.

ClinVar aggregate classification (germline): Pathogenic. Review status: reviewed by expert panel (3 of 4 stars). 8 submissions from 8 submitters: Pathogenic (1). 7 of the submissions do not count toward it. Last evaluated 2025-04-07.

Conditions:
Maturity-onset diabetes of the young (MODY). Also called: Maturity onset diabetes mellitus in young. Identifiers: Orphanet 552, MedGen C0342276, MONDO:0018911, HP:0004904.
Maturity-onset diabetes of the young type 3. Also called: MODY type 3; MODY, type III. Identifiers: Orphanet 552, MedGen C1838100, MeSH C563933, MONDO:0010894, OMIM 600496. Disease mechanism: loss of function.
Monogenic diabetes. Identifiers: Orphanet 183625, MedGen C3888631, MONDO:0015967.

Allele frequency attached by ClinVar (database versions not stated): ExAC 0.00002; gnomAD 0.00001; gnomAD exomes 0.00001 and 0.00002; TOPMed 0.00001; ESP Exome Variant Server 0.00008.
gnomAD v4.1: 13 of 1,609,636 alleles (0.00081%); highest among the groups gnomAD compares: South Asian, 0.0022%; 1 homozygote.

Submissions (8):

ClinGen Monogenic Diabetes Variant Curation Expert Panel
Classification: Pathogenic for Monogenic diabetes. Last evaluated: 2025-04-07. Review status: reviewed by expert panel. Criteria: ClinGen Diabetes ACMG Specifications HNF1A V2.1.0. Collection method: curation. Allele origin: germline. Inheritance: Autosomal dominant inheritance.
Comment: The c.1501G>A variant in the HNF1 homeobox A gene, HNF1A, causes an amino acid change of alanine to threonine at codon 501 (p.(Ala501Thr)) of NM_000545.8. Minigene-splicing assay demonstrates that this variant results in abnormal splicing and the in-frame deletion of exon 7, resulting in resulting in p.Gly437_His500del (PS3; Bouvet et al., 2023). The Grpmax filtering allele frequency of this variant in gnomAD v2.1.1 is 0.00001271, which falls between ClinGen MDEP-established cutoffs for PM2_Supporting and BS1; thus, neither criterion will be applied. This variant was identified in 8 unrelated individuals with non-autoimmune and non-absolute/near-absolute insulin-deficient diabetes; however, PS4 cannot be applied because the variant MAF in gnomAD is above the ClinGen MDEP PM2_Supporting cutoff (PMIDs: 12832318, 23348805, 23517481, internal lab contributors). At least one of these individuals had a clinical history highly specific for HNF1A-monogenic diabetes (MODY probability calculator result >50% and negative genetic testing for HNF4A) (PP4; internal lab contributors). Additionally, this variant segregated with diabetes with 4 informative meioses in 3 families (PP1_Strong; PMID: 12832318, internal lab contributors). In summary, c.1501G>A meets the criteria to be classified as pathogenic for monogenic diabetes. ACMG/AMP criteria applied, as specified by the ClinGen MDEP (specification version 2.1.0, approved 08/11/2023): PS3, PP1_Strong, PP4.

GeneDx
Classification: Likely pathogenic. Last evaluated: 2026-04-17. Review status: criteria provided, single submitter. Criteria: GeneDx Variant Classification Process June 2021. Collection method: clinical testing. Allele origin: germline. Not counted in ClinVar's aggregate classification.
Comment: Published functional minigene assays demonstrate a damaging effect resulting in the skipping of exon 7 (Bouvet et al., 2023 DOI 10.1155/2023/6661013); In silico analysis suggests this variant may impact gene splicing. In the absence of RNA/functional studies, the actual effect of this sequence change is unknown.; This variant is associated with the following publications: (PMID: 21224407, 25525159, 34789499, 33852230, 23517481, 40225161, 39859454, 12832318, Bouvet2023[Article])

Labcorp Genetics (formerly Invitae), Labcorp
Classification: Pathogenic. Last evaluated: 2024-11-18. Review status: criteria provided, single submitter. Criteria: Invitae Variant Classification Sherloc (09022015). Collection method: clinical testing. Allele origin: germline. Not counted in ClinVar's aggregate classification.
Comment: This sequence change replaces alanine, which is neutral and non-polar, with threonine, which is neutral and polar, at codon 501 of the HNF1A protein (p.Ala501Thr). This variant also falls at the last nucleotide of exon 7, which is part of the consensus splice site for this exon. The frequency data for this variant in the population databases is considered unreliable, as metrics indicate poor data quality at this position in the gnomAD database. This missense change has been observed in individuals with clinical features of HNF1A-related conditions (PMID: 12832318, 23517481, 33852230, 34789499; internal data). ClinVar contains an entry for this variant (Variation ID: 972780). An algorithm developed to predict the effect of missense changes on protein structure and function (PolyPhen-2) suggests that this variant is likely to be tolerated. Variants that disrupt the consensus splice site are a relatively common cause of aberrant splicing (PMID: 17576681, 9536098). Algorithms developed to predict the effect of sequence changes on RNA splicing suggest that this variant may disrupt the consensus splice site. For these reasons, this variant has been classified as Pathogenic.

Women's Health and Genetics/Laboratory Corporation of America, LabCorp
Classification: Uncertain significance. Last evaluated: 2024-10-30. Review status: criteria provided, single submitter. Criteria: LabCorp Variant Classification Summary - May 2015. Collection method: clinical testing. Allele origin: germline. Not counted in ClinVar's aggregate classification.
Comment: Variant summary: HNF1A c.1501G>A (p.Ala501Thr) results in a non-conservative amino acid change located in the C-terminal domain (IPR006897) of the encoded protein sequence. Two of four in-silico tools predict a benign effect of the variant on protein function. Several computational tools predict a significant impact on normal splicing: One predict the variant abolishes a 5' splicing donor site. Three predict the variant weakens a 5' donor site. However, these predictions have yet to be confirmed by functional studies. The variant allele was found at a frequency of 1.7e-05 in 238956 control chromosomes (gnomAD). c.1501G>A has been reported in the literature in individuals affected with HNF1A-related conditions (example: Breidbart_2021, Colclough_2022, Owen_2003, Tatsi_2013, Internal data). These data indicate that the variant may be associated with disease. To our knowledge, no experimental evidence demonstrating an impact on protein function has been reported. The following publications have been ascertained in the context of this evaluation (PMID: 33852230, 34789499, 12832318, 23517481). ClinVar contains an entry for this variant (Variation ID: 972780). Based on the evidence outlined above, the variant was classified as VUS-possibly pathogenic.

Blueprint Genetics
Classification: Uncertain significance. Last evaluated: 2023-12-15. Review status: criteria provided, single submitter. Criteria: ACMG Guidelines, 2015. Collection method: clinical testing. Allele origin: germline. Not counted in ClinVar's aggregate classification.

Centre for Inherited Metabolic Diseases, Karolinska University Hospital
Classification: Pathogenic for Maturity-onset diabetes of the young type 3. Last evaluated: 2022-12-07. Review status: criteria provided, single submitter. Criteria: ACMG Guidelines, 2015. Collection method: clinical testing. Allele origin: germline. Inheritance: Autosomal dominant inheritance. Affected: yes. Observed: 1 heterozygote. Not counted in ClinVar's aggregate classification.

Dept of Medical Genetics, AP-HP Sorbonne University, Pitié-Salpêtrière hospital
Classification: Likely pathogenic for MODY. Last evaluated: 2022-11-01. Review status: criteria provided, single submitter. Criteria: ACMG Guidelines, 2015. Collection method: clinical testing. Allele origin: germline. Affected: yes. Not counted in ClinVar's aggregate classification.
Comment: minigene showed effect on RNA splicing: in-frame skipping of exon 7 (r.1310_1501del, p.Gly437_His500del). PS3 PP1 PP4

Broad Center for Mendelian Genomics, Broad Institute of MIT and Harvard
Classification: Uncertain significance for Maturity-onset diabetes of the young type 3. Last evaluated: 2020-01-22. Review status: criteria provided, single submitter. Criteria: ACMG Guidelines, 2015. Collection method: curation. Allele origin: germline. Inheritance: Autosomal dominant inheritance. Not counted in ClinVar's aggregate classification.
Comment: Computational prediction tools and conservation analyses suggest that this variant may impact the protein, though this information is not predictive enough to determine pathogenicity. In summary, while there is some suspicion for a pathogenic role, the clinical significance of this variant is uncertain. ACMG/AMP Criteria applied: PP3 (Richards 2015).

Literature cited by the submitters: PubMed 12832318 (cited by 3 submitters); PubMed 23348805 (cited by ClinGen Monogenic Diabetes Variant Curation Expert Panel and Dept of Medical Genetics, AP-HP Sorbonne University, Pitié-Salpêtrière hospital); PubMed 23517481 (cited by 3 submitters); PubMed 33852230 (cited by Labcorp Genetics (formerly Invitae), Labcorp and Women's Health and Genetics/Laboratory Corporation of America, LabCorp); PubMed 34789499 (cited by Labcorp Genetics (formerly Invitae), Labcorp and Women's Health and Genetics/Laboratory Corporation of America, LabCorp); PubMed 17576681 (cited by Labcorp Genetics (formerly Invitae), Labcorp); PubMed 9536098 (cited by Labcorp Genetics (formerly Invitae), Labcorp).